The following is an entry in ClinVar:

NM_006941.4(SOX10):c.148G>A (p.Glu50Lys)

Genes: POLR2F (RNA polymerase II, I and III subunit F; plus strand), SOX10 (SRY-box transcription factor 10; minus strand). Cytogenetic location: 22q13.1.
Variant type: single nucleotide variant.
Coding change: c.148G>A on transcript NM_006941.4 (MANE Select); coding-DNA position 148, G replaced by A.
Protein change: p.Glu50Lys; replaces glutamic acid 50 with lysine.
Molecular consequence: missense variant. On other transcripts: intron variant (3).
Genome position (GRCh38, 1-based): chr22:37,983,637, C>T on the plus strand (G>A on the coding strand, the complement: SOX10 is on the minus strand). VCF-style: chr22-37983637-C-T. GRCh37 (hg19) VCF-style: chr22-38379644-C-T.
Other names: c.293+16467C>T (NM_001301131.2); c.*38+11327C>T (NM_001363825.1); c.294-2517C>T (NM_001301130.2); short protein forms E50K.
Identifiers: ClinVar variation 3693609 (VCV003693609.2).

ClinVar aggregate classification (germline): Uncertain significance (1 of 4 stars; one submission).

Submission:

Labcorp Genetics (formerly Invitae), Labcorp
Classification: Uncertain significance. Last evaluated: 2024-05-17. Review status: criteria provided, single submitter. Criteria: Invitae Variant Classification Sherloc (09022015). Collection method: clinical testing. Allele origin: germline.
Comment: This sequence change replaces glutamic acid, which is acidic and polar, with lysine, which is basic and polar, at codon 50 of the SOX10 protein (p.Glu50Lys). This variant is not present in population databases (gnomAD no frequency). This variant has not been reported in the literature in individuals affected with SOX10-related conditions. Advanced modeling of protein sequence and biophysical properties (such as structural, functional, and spatial information, amino acid conservation, physicochemical variation, residue mobility, and thermodynamic stability) performed at Invitae indicates that this missense variant is not expected to disrupt SOX10 protein function with a negative predictive value of 80%. In summary, the available evidence is currently insufficient to determine the role of this variant in disease. Therefore, it has been classified as a Variant of Uncertain Significance.